The following is an entry in ClinVar:

NM_022455.5(NSD1):c.2479A>G (p.Ile827Val)

Gene: NSD1 (nuclear receptor binding SET domain protein 1; plus strand). Cytogenetic location: 5q35.3.
Variant type: single nucleotide variant.
Coding change: c.2479A>G on transcript NM_022455.5 (MANE Select); coding-DNA position 2479, A replaced by G.
Protein change: p.Ile827Val; replaces isoleucine 827 with valine.
Molecular consequence: missense variant.
Genome position (GRCh38, 1-based): chr5:177,210,878, A>G. VCF-style: chr5-177210878-A-G. GRCh37 (hg19) VCF-style: chr5-176637879-A-G.
Other names: c.2479A>G, p.Ile827Val (NM_001409301.1, NM_001409302.1, NM_001409303.1); c.2059A>G, p.Ile687Val (NM_001409304.1); c.1726A>G, p.Ile576Val (NM_001409305.1); c.1606A>G, p.Ile536Val (NM_001409306.1, NM_001409307.1, NM_001409308.1 and 3 more transcripts); short protein forms I536V, I576V, I687V, I827V.
Identifiers: ClinVar variation 3592007 (VCV003592007.2).

ClinVar aggregate classification (germline): Uncertain significance. Review status: criteria provided, multiple submitters, no conflicts (2 of 4 stars). 2 submissions from 2 submitters: Uncertain significance (2). Last evaluated 2025-08-14.

Conditions:
Sotos syndrome (SOTOS). Also called: Distinctive facial appearance, overgrowth in childhood, and learning disabilities or delayed development; SOTOS SYNDROME 1; CHROMOSOME 5q35 DELETION SYNDROME; CEREBRAL GIGANTISM; Sotos' syndrome. Identifiers: Orphanet 821, MedGen C0175695, MONDO:0019349, OMIM 117550.

Submissions (2):

Labcorp Genetics (formerly Invitae), Labcorp
Classification: Uncertain significance. Last evaluated: 2025-08-14. Review status: criteria provided, single submitter. Criteria: Invitae Variant Classification Sherloc (09022015). Collection method: clinical testing. Allele origin: germline.
Comment: This sequence change replaces isoleucine, which is neutral and non-polar, with valine, which is neutral and non-polar, at codon 827 of the NSD1 protein (p.Ile827Val). This variant is not present in population databases (gnomAD no frequency). This variant has not been reported in the literature in individuals affected with NSD1-related conditions. ClinVar contains an entry for this variant (Variation ID: 3592007). Invitae Evidence Modeling of protein sequence and biophysical properties (such as structural, functional, and spatial information, amino acid conservation, physicochemical variation, residue mobility, and thermodynamic stability) indicates that this missense variant is not expected to disrupt NSD1 protein function with a negative predictive value of 95%. In summary, the available evidence is currently insufficient to determine the role of this variant in disease. Therefore, it has been classified as a Variant of Uncertain Significance.

Fulgent Genetics
Classification: Uncertain significance for Sotos syndrome. Last evaluated: 2024-06-09. Review status: criteria provided, single submitter. Criteria: ACMG Guidelines, 2015. Collection method: clinical testing. Allele origin: germline.